The following is an entry in ClinVar:

NM_000690.4(ALDH2):c.910G>A (p.Val304Met)

Gene: ALDH2 (aldehyde dehydrogenase 2 family member; plus strand). Cytogenetic location: 12q24.12.
Variant type: single nucleotide variant.
Coding change: c.910G>A on transcript NM_000690.4 (MANE Select); coding-DNA position 910, G replaced by A.
Protein change: p.Val304Met; replaces valine 304 with methionine.
Molecular consequence: missense variant.
Genome position (GRCh38, 1-based): chr12:111,792,609, G>A. VCF-style: chr12-111792609-G-A. GRCh37 (hg19) VCF-style: chr12-112230413-G-A.
Other names: c.769G>A, p.Val257Met (NM_001204889.2); short protein forms V257M, V304M.
Identifiers: ClinVar variation 769832 (VCV000769832.7), dbSNP rs201108880, ClinGen allele CA6793078.

ClinVar aggregate classification (germline): Benign/Likely benign. Review status: criteria provided, multiple submitters, no conflicts (2 of 4 stars). 4 submissions from 4 submitters: Benign (2); Likely benign (1). 1 of the submissions does not count toward it. Last evaluated 2026-10-01.

Conditions:
ALDH2-related disorder. Also called: ALDH2-related condition.

Allele frequency attached by ClinVar (database versions not stated): ESP Exome Variant Server 0.00008; 1000 Genomes Project 0.00020; 1000 Genomes Project 30x 0.00031; gnomAD 0.00046; gnomAD exomes 0.00057 and 0.00276; TOPMed 0.00148; ExAC 0.00241.
gnomAD v4.1: 880 of 1,612,126 alleles (0.055%); highest among the groups gnomAD compares: Admixed American, 1.4%; 10 homozygotes.

Submissions (4):

CeGaT Center for Human Genetics Tuebingen
Classification: Likely benign. Last evaluated: 2026-10-01. Review status: criteria provided, single submitter. Criteria: CeGaT Center For Human Genetics Tuebingen Variant Classification Criteria Version 2. Collection method: clinical testing. Allele origin: germline. Affected: yes. Observed: 1 variant allele.
Comment: ALDH2: BS1

Labcorp Genetics (formerly Invitae), Labcorp
Classification: Benign. Last evaluated: 2018-06-19. Review status: criteria provided, single submitter. Criteria: Invitae Variant Classification Sherloc (09022015). Collection method: clinical testing. Allele origin: germline.

Breakthrough Genomics
Classification: Benign. Review status: criteria provided, single submitter. Criteria: ACMG Guidelines, 2015. Collection method: not provided. Allele origin: germline. Inheritance: Autosomal dominant inheritance. Affected: yes.

PreventionGenetics, part of Exact Sciences
Classification: Benign for ALDH2-related condition. Last evaluated: 2019-06-24. Review status: no assertion criteria provided. Collection method: clinical testing. Allele origin: germline. Not counted in ClinVar's aggregate classification.
Comment: This variant is classified as benign based on ACMG/AMP sequence variant interpretation guidelines (Richards et al. 2015 PMID: 25741868, with internal and published modifications).